The following is an entry in ClinVar:

NM_032634.4(PIGO):c.3069+248dup

Gene: PIGO (phosphatidylinositol glycan anchor biosynthesis class O; minus strand). Cytogenetic location: 9p13.3.
Variant type: Duplication.
Coding change: c.3069+248dup on transcript NM_032634.4 (MANE Select); 248 bases into the intron after coding-DNA position 3069, one base duplicated (T; older notation c.3069+248dupT).
Molecular consequence: intron variant.
Genome position (GRCh38, 1-based): chr9:35,089,818, A duplicated on the plus strand (T on the coding strand, the reverse complement: PIGO is on the minus strand). VCF-style (leftmost placement, unchanged base first): chr9-35089817-T-TA. GRCh37 (hg19) VCF-style: chr9-35089814-T-TA.
Other names: c.1818+248dup (NM_152850.4, NM_001201484.2).
Identifiers: ClinVar variation 677606 (VCV000677606.1), dbSNP rs537810369, ClinGen allele CA192708030.

ClinVar aggregate classification (germline): Likely benign (1 of 4 stars; one submission).

Allele frequency attached by ClinVar (database versions not stated): 1000 Genomes Project 30x 0.00359; 1000 Genomes Project 0.00379; TOPMed 0.00498; gnomAD 0.00655 and 0.00657; gnomAD exomes 0.00925.

Submission:

GeneDx
Classification: Likely benign. Last evaluated: 2018-06-16. Review status: criteria provided, single submitter. Criteria: GeneDx Variant Classification (06012015). Collection method: clinical testing. Allele origin: germline. Affected: yes.
Comment: This variant is considered likely benign or benign based on one or more of the following criteria: it is a conservative change, it occurs at a poorly conserved position in the protein, it is predicted to be benign by multiple in silico algorithms, and/or has population frequency not consistent with disease.